The following is an entry in ClinVar:

NM_032383.5(HPS3):c.2343_2344del (p.Phe781fs)

Genes: CP (ceruloplasmin; minus strand), HPS3 (HPS3 biogenesis of lysosomal organelles complex 2 subunit 1; plus strand). Cytogenetic location: 3q24.
Variant type: Deletion.
Coding change: c.2343_2344del on transcript NM_032383.5 (MANE Select); coding-DNA positions 2343 to 2344, 2 bases deleted (TT; older notation c.2343_2344delTT).
Protein change: p.Phe781fs; shifts the reading frame from phenylalanine 781.
Molecular consequence: frameshift variant. On other transcripts: non-coding transcript variant (1).
Genome position (GRCh38, 1-based): chr3:149,162,740-149,162,741, TT deleted; deleting any 2 consecutive bases within chr3:149,162,738-149,162,741 gives the same sequence; the c. name uses the placement nearest the transcript's 3' end. VCF-style (leftmost placement, unchanged base first): chr3-149162737-CTT-C. GRCh37 (hg19) VCF-style: chr3-148880524-CTT-C.
Other names: c.1848_1849del, p.Phe616fs (NM_001308258.2); short protein forms F616fs, F781fs.
Identifiers: ClinVar variation 1449318 (VCV001449318.8), dbSNP rs868868714, ClinGen allele CA85514723.
Genomic context (GRCh38, chr3:149,162,737, plus strand): 5'-TACTGTTTTTAAGGTGCTTTGTGCTAAGGATGAAGATACAATTCCTCAGCTCTTGGTAGA[CTT>C]TTGGGAAGCTCAGCTAGTGGCATGTCTCCCAGATGTGGTACTTCAGGAACTCTTTTTCAA-3'

ClinVar aggregate classification (germline): Pathogenic/Likely pathogenic. Review status: criteria provided, multiple submitters, no conflicts (2 of 4 stars). 3 submissions from 3 submitters: Pathogenic (2); Likely pathogenic (1). Last evaluated 2024-05-14.

Conditions:
Hermansky-Pudlak syndrome 3 (HPS3). Identifiers: Orphanet 231512, Orphanet 79430, MedGen C3888001, MONDO:0013555, OMIM 614072.

Submissions (3):

Myriad Genetics, Inc.
Classification: Pathogenic for Hermansky-Pudlak syndrome 3. Last evaluated: 2024-05-14. Review status: criteria provided, single submitter. Criteria: Myriad Autosomal Dominant, Autosomal Recessive and X-Linked Classification Criteria (2023). Collection method: clinical testing. Allele origin: unknown.
Comment: NM_032383.3(HPS3):c.2343_2344delTT(F781Lfs*31) is expected to be pathogenic in the context of Hermansky-Pudlak syndrome, HPS3-related. This variant is predicted to lead to an abnormal or absent protein product due to the creation of a premature termination codon in HPS3, a gene where loss-of-function variants are known to be pathogenic. Please note: this variant was assessed in the context of healthy population screening.

Labcorp Genetics (formerly Invitae), Labcorp
Classification: Pathogenic. Last evaluated: 2024-01-18. Review status: criteria provided, single submitter. Criteria: Invitae Variant Classification Sherloc (09022015). Collection method: clinical testing. Allele origin: germline.
Comment: This sequence change creates a premature translational stop signal (p.Phe781Leufs*31) in the HPS3 gene. It is expected to result in an absent or disrupted protein product. Loss-of-function variants in HPS3 are known to be pathogenic (PMID: 11590544). This variant is not present in population databases (gnomAD no frequency). This variant has not been reported in the literature in individuals affected with HPS3-related conditions. ClinVar contains an entry for this variant (Variation ID: 1449318). For these reasons, this variant has been classified as Pathogenic.

Baylor Genetics
Classification: Likely pathogenic for Hermansky-Pudlak syndrome 3. Last evaluated: 2023-10-04. Review status: criteria provided, single submitter. Criteria: ACMG Guidelines, 2015. Collection method: clinical testing. Allele origin: unknown.

Literature cited by the submitters: PubMed 11590544 (cited by Labcorp Genetics (formerly Invitae), Labcorp).